The following is an entry in ClinVar:

NM_006031.6(PCNT):c.6443_6444delinsCTA (p.Asp2148fs)

Gene: PCNT (pericentrin; plus strand). Cytogenetic location: 21q22.3.
Variant type: Indel.
Coding change: c.6443_6444delinsCTA on transcript NM_006031.6 (MANE Select); coding-DNA positions 6443 to 6444, AC replaced by CTA.
Protein change: p.Asp2148fs; shifts the reading frame from aspartic acid 2148.
Molecular consequence: frameshift variant.
Genome position (GRCh38, 1-based): chr21:46,416,361-46,416,362, AC replaced by CTA. VCF-style: chr21-46416361-AC-CTA. GRCh37 (hg19) VCF-style: chr21-47836275-AC-CTA.
Other names: c.6089_6090delinsCTA, p.Asp2030fs (NM_001315529.2); short protein forms D2030fs, D2148fs.
Identifiers: ClinVar variation 3346735 (VCV003346735.2).

ClinVar aggregate classification (germline): Likely pathogenic (1 of 4 stars; one submission).

Conditions:
PCNT-related disorder. Also called: PCNT-related condition.

Submission:

PreventionGenetics, part of Exact Sciences
Classification: Likely pathogenic for PCNT-related condition. Last evaluated: 2024-11-27. Review status: criteria provided, single submitter. Criteria: ACMG Guidelines, 2015. Collection method: clinical testing. Allele origin: germline.
Comment: The PCNT c.6443_6444delinsCTA variant is predicted to result in a frameshift and premature protein termination (p.Asp2148Alafs*4). To our knowledge, this variant has not been reported in the literature or in a large population database (gnomAD), indicating this variant is rare. Frameshift variants in PCNT are expected to be pathogenic. This variant is interpreted as likely pathogenic.